The following is an entry in ClinVar:

ClinVar aggregate classification (germline): Uncertain significance (1 of 4 stars; one submission).

Conditions:
Developmental and epileptic encephalopathy, 32 (DEE32). Also called: Epileptic encephalopathy, early infantile, 32. Identifiers: Orphanet 442835, MedGen C4225350, MONDO:0014607, OMIM 616366.

Submission:

3billion
Classification: Uncertain significance for Developmental and epileptic encephalopathy, 32. Last evaluated: 2025-12-03. Review status: criteria provided, single submitter. Criteria: ACMG Guidelines, 2015. Collection method: clinical testing. Allele origin: germline. Affected: yes.
Comment: The variant is not observed in the gnomAD v4.1.0 dataset. Predicted Consequence/Location: Missense variant. Missense changes are a common disease-causing mechanism. In silico tool predictions suggest damaging effect of the variant on gene or gene product [3Cnet: 0.98 (> 0.75, sensitivity 0.96 and precision 0.92)]. Different missense changes at the same codon have been reported as of uncertain significance (ClinVar ID: VCV000948350). Therefore, this variant is classified as VUS according to the recommendation of ACMG/AMP guideline.

NM_004974.4(KCNA2):c.754A>C (p.Thr252Pro)

Gene: KCNA2 (potassium voltage-gated channel subfamily A member 2; minus strand). Cytogenetic location: 1p13.3.
Variant type: single nucleotide variant.
Coding change: c.754A>C on transcript NM_004974.4 (MANE Select); coding-DNA position 754, A replaced by C.
Protein change: p.Thr252Pro; replaces threonine 252 with proline.
Molecular consequence: missense variant.
Genome position (GRCh38, 1-based): chr1:110,604,029, T>G on the plus strand (A>C on the coding strand, the complement: KCNA2 is on the minus strand). VCF-style: chr1-110604029-T-G. GRCh37 (hg19) VCF-style: chr1-111146651-T-G.
Other names: c.754A>C, p.Thr252Pro (NM_001204269.2); short protein forms T252P.
Identifiers: ClinVar variation 4856256 (VCV004856256.1).
Genomic context (GRCh38, chr1:110,604,029, plus strand): 5'-TCCCCAGGGTGATGAAGTAGGGGATGATGGCCACAATGTCAATGATGTTCATGATGTTGG[T>G]GAAGAAGCCGGCTTTGCTGGGACAGGCAAAGAACCTCACCAAGAATTCAAAGGAGAACCA-3'
Protein context (NP_004965.1, residues 242-262): FACPSKAGFF[Thr252Pro]NIMNIIDIVA